The following is an entry in ClinVar:

NM_145649.5(GCNT2):c.*196A>G

Gene: GCNT2 (glucosaminyl (N-acetyl) transferase 2 (I blood group); plus strand). Cytogenetic location: 6p24.2.
Variant type: single nucleotide variant.
Coding change: c.*196A>G on transcript NM_145649.5 (MANE Select); 196 bases downstream of the stop codon, A replaced by G.
Molecular consequence: 3 prime UTR variant.
Genome position (GRCh38, 1-based): chr6:10,626,803, A>G. VCF-style: chr6-10626803-A-G. GRCh37 (hg19) VCF-style: chr6-10627036-A-G.
Other names: c.*196A>G (NM_001374747.1, NM_001491.3, NM_145655.4).
Identifiers: ClinVar variation 354715 (VCV000354715.5), dbSNP rs77170997, ClinGen allele CA10625456.

ClinVar aggregate classification (germline): Likely benign (1 of 4 stars; one submission).

Conditions:
Blood group, I system (Ii). Identifiers: MedGen C0020717, OMIM 110800.

Allele frequency attached by ClinVar (database versions not stated): 1000 Genomes Project 0.00220; 1000 Genomes Project 30x 0.00234; gnomAD 0.00321 and 0.00354; TOPMed 0.00395; gnomAD exomes 0.00432.
gnomAD v4.1: 2,375 of 585,276 alleles (0.41%); highest among the groups gnomAD compares: Non-Finnish European, 0.62%; 10 homozygotes.

Submission:

Illumina Laboratory Services, Illumina
Classification: Likely benign for Blood group, I system. Last evaluated: 2018-01-12. Review status: criteria provided, single submitter. Criteria: ICSL Variant Classification Criteria 13 December 2019. Collection method: clinical testing. Allele origin: germline.
Comment: This variant was observed in the ICSL laboratory as part of a predisposition screen in an ostensibly healthy population. It had not been previously curated by ICSL or reported in the Human Gene Mutation Database (HGMD: prior to June 1st, 2018), and was therefore a candidate for classification through an automated scoring system. Utilizing variant allele frequency, disease prevalence and penetrance estimates, and inheritance mode, an automated score was calculated to assess if this variant is too frequent to cause the disease. Based on the score and internal cut-off values, a variant classified as likely benign is not then subjected to further curation. The score for this variant resulted in a classification of likely benign for this disease.